The following is an entry in ClinVar:

NM_014249.4(NR2E3):c.304G>A (p.Ala102Thr)

Gene: NR2E3 (nuclear receptor subfamily 2 group E member 3; plus strand). Cytogenetic location: 15q23.
Variant type: single nucleotide variant.
Coding change: c.304G>A on transcript NM_014249.4 (MANE Select); coding-DNA position 304, G replaced by A.
Protein change: p.Ala102Thr; replaces alanine 102 with threonine.
Molecular consequence: missense variant.
Genome position (GRCh38, 1-based): chr15:71,811,824, G>A. VCF-style: chr15-71811824-G-A. GRCh37 (hg19) VCF-style: chr15-72104164-G-A.
Other names: c.304G>A, p.Ala102Thr (NM_016346.4); short protein forms A102T.
Identifiers: ClinVar variation 5010010 (VCV005010010.1).
Genomic context (GRCh38, chr15:71,811,824, plus strand): 5'-AGGTGCCAGGTGGGGGCAGGGATGTGCCCCGTGGACAAGGCCCACCGCAACCAGTGCCAG[G>A]CCTGCCGGCTGAAGAAGTGCCTGCAGGCGGGGATGAACCAGGACGGTGAGGCGGGGGCTG-3'
Protein context (NP_055064.1, residues 92-112): VDKAHRNQCQ[Ala102Thr]CRLKKCLQAG

ClinVar aggregate classification (germline): Uncertain significance (1 of 4 stars; one submission).

Submission:

GeneDx
Classification: Uncertain significance. Last evaluated: 2026-02-23. Review status: criteria provided, single submitter. Criteria: GeneDx Variant Classification Process June 2021. Collection method: clinical testing. Allele origin: germline.
Comment: Not observed at significant frequency in large population cohorts (gnomAD); In silico analysis supports that this missense variant has a deleterious effect on protein structure/function; Has not been previously published as pathogenic or benign to our knowledge